The following is an entry in ClinVar:

NM_001127222.2(CACNA1A):c.6732C>T (p.Arg2244=)

Genes: CACNA1A (calcium voltage-gated channel subunit alpha1 A; minus strand), LOC130063717 (ATAC-STARR-seq lymphoblastoid silent region 10203; plus strand). Cytogenetic location: 19p13.13.
Variant type: single nucleotide variant.
Coding change: c.6732C>T on transcript NM_001127222.2 (MANE Select); coding-DNA position 6732, C replaced by T.
Protein change: p.Arg2244=; no amino-acid change (arginine 2244 retained).
Molecular consequence: synonymous variant.
Genome position (GRCh38, 1-based): chr19:13,208,804, G>A on the plus strand (C>T on the coding strand, the complement: CACNA1A is on the minus strand). VCF-style: chr19-13208804-G-A. GRCh37 (hg19) VCF-style: chr19-13319618-G-A.
Other names: c.6750C>T, p.Arg2250= (NM_000068.4, NM_023035.3); c.6735C>T, p.Arg2245= (NM_001127221.2); c.6741C>T, p.Arg2247= (NM_001174080.2); c.6732C>T (NM_001127222.1).
Identifiers: ClinVar variation 1153415 (VCV001153415.19), dbSNP rs1406247650, ClinGen allele CA505659190.

ClinVar aggregate classification (germline): Likely benign. Review status: criteria provided, multiple submitters, no conflicts (2 of 4 stars). 3 submissions from 3 submitters: Likely benign (3). Last evaluated 2025-11-01.

Conditions:
CACNA1A-related disorder. Also called: CACNA1A-related condition.
Developmental and epileptic encephalopathy, 42 (DEE42A). Also called: Epileptic encephalopathy, early infantile, 42; DEVELOPMENTAL AND EPILEPTIC ENCEPHALOPATHY 42A; EPILEPTIC ENCEPHALOPATHY, EARLY INFANTILE, 42A. Identifiers: MedGen C4310716, MONDO:0014917, OMIM 617106.
Episodic ataxia type 2 (EA2). Also called: ATAXIA, EPISODIC, WITH NYSTAGMUS; ATAXIA, FAMILIAL PAROXYSMAL; CEREBELLAR ATAXIA, PAROXYSMAL, ACETAZOLAMIDE-RESPONSIVE; CEREBELLOPATHY, HEREDITARY PAROXYSMAL; EPISODIC ATAXIA, NYSTAGMUS-ASSOCIATED; ACETAZOLAMIDE-RESPONSIVE HEREDITARY PAROXYSMAL CEREBELLAR ATAXIA. Identifiers: Orphanet 97, MedGen C1720416, MONDO:0007163, OMIM 108500.

Allele frequency attached by ClinVar (database versions not stated): gnomAD 0.00001; TOPMed 0.00001.
gnomAD v4.1: 1 of 1,551,824 alleles (0.000064%); highest among the groups gnomAD compares: African/African-American, 0.0014%; no homozygotes.

Submissions (3):

CeGaT Center for Human Genetics Tuebingen
Classification: Likely benign. Last evaluated: 2025-11-01. Review status: criteria provided, single submitter. Criteria: CeGaT Center For Human Genetics Tuebingen Variant Classification Criteria Version 2. Collection method: clinical testing. Allele origin: germline. Affected: yes. Observed: 2 variant alleles.
Comment: CACNA1A: BP4, BP7

Labcorp Genetics (formerly Invitae), Labcorp
Classification: Likely benign for Developmental and epileptic encephalopathy, 42; Episodic ataxia type 2. Last evaluated: 2025-07-18. Review status: criteria provided, single submitter. Criteria: Invitae Variant Classification Sherloc (09022015). Collection method: clinical testing. Allele origin: germline.

PreventionGenetics, part of Exact Sciences
Classification: Likely benign for CACNA1A-related condition. Last evaluated: 2025-01-06. Review status: criteria provided, single submitter. Criteria: ACMG Guidelines, 2015. Collection method: clinical testing. Allele origin: germline.
Comment: This variant is classified as likely benign based on ACMG/AMP sequence variant interpretation guidelines (Richards et al. 2015 PMID: 25741868, with internal and published modifications).